The following is an entry in ClinVar:

NM_001042472.3(ABHD12):c.540C>T (p.Thr180=)

Gene: ABHD12 (abhydrolase domain containing 12, lysophospholipase; minus strand). Cytogenetic location: 20p11.21.
Variant type: single nucleotide variant.
Coding change: c.540C>T on transcript NM_001042472.3 (MANE Select); coding-DNA position 540, C replaced by T.
Protein change: p.Thr180=; no amino-acid change (threonine 180 retained).
Molecular consequence: synonymous variant.
Genome position (GRCh38, 1-based): chr20:25,320,201, G>A on the plus strand (C>T on the coding strand, the complement: ABHD12 is on the minus strand). VCF-style: chr20-25320201-G-A. GRCh37 (hg19) VCF-style: chr20-25300837-G-A.
Other names: c.540C>T, p.Thr180= (NM_015600.5).
Identifiers: ClinVar variation 1092483 (VCV001092483.11), dbSNP rs777592249, ClinGen allele CA9796126.

ClinVar aggregate classification (germline): Conflicting classifications of pathogenicity. Review status: criteria provided, conflicting classifications (1 of 4 stars). 2 submissions from 2 submitters: Uncertain significance (1); Likely benign (1). Last evaluated 2025-12-23.

Allele frequency attached by ClinVar (database versions not stated): gnomAD 0.00003 and 0.00004; TOPMed 0.00003; gnomAD exomes 0.00002 and 0.00008; ExAC 0.00003.
gnomAD v4.1: 40 of 1,613,736 alleles (0.0025%); highest among the groups gnomAD compares: Admixed American, 0.0083%; no homozygotes.

Submissions (2):

Labcorp Genetics (formerly Invitae), Labcorp
Classification: Likely benign. Last evaluated: 2025-12-23. Review status: criteria provided, single submitter. Criteria: Invitae Variant Classification Sherloc (09022015). Collection method: clinical testing. Allele origin: germline.

GeneDx
Classification: Uncertain significance. Last evaluated: 2023-06-14. Review status: criteria provided, single submitter. Criteria: GeneDx Variant Classification Process June 2021. Collection method: clinical testing. Allele origin: germline.
Comment: Has not been previously published as pathogenic or benign to our knowledge; In silico analysis suggests this variant may impact gene splicing. In the absence of RNA/functional studies, the actual effect of this sequence change is unknown.